The following is an entry in ClinVar:

NM_004722.4(AP4M1):c.173A>G (p.His58Arg)

Gene: AP4M1 (adaptor related protein complex 4 subunit mu 1; plus strand). Cytogenetic location: 7q22.1.
Variant type: single nucleotide variant.
Coding change: c.173A>G on transcript NM_004722.4 (MANE Select); coding-DNA position 173, A replaced by G.
Protein change: p.His58Arg; replaces histidine 58 with arginine.
Molecular consequence: missense variant.
Genome position (GRCh38, 1-based): chr7:100,102,700, A>G. VCF-style: chr7-100102700-A-G. GRCh37 (hg19) VCF-style: chr7-99700323-A-G.
Other names: c.194A>G, p.His65Arg (NM_001363671.2); short protein forms H58R, H65R.
Identifiers: ClinVar variation 2418903 (VCV002418903.6), dbSNP rs777392432, ClinGen allele CA4374499.

ClinVar aggregate classification (germline): Uncertain significance. Review status: criteria provided, multiple submitters, no conflicts (2 of 4 stars). 2 submissions from 2 submitters: Uncertain significance (2). Last evaluated 2024-11-26.

Conditions:
Hereditary spastic paraplegia 50 (SPG50). Also called: Spastic paraplegia 50, autosomal recessive. Identifiers: Orphanet 280763, MedGen C2752008, MONDO:0013048, OMIM 612936.

Allele frequency attached by ClinVar (database versions not stated): TOPMed below 0.00001; ExAC 0.00001.
gnomAD v4.1: 5 of 1,613,968 alleles (0.00031%); highest among the groups gnomAD compares: South Asian, 0.0011%; no homozygotes.

Submissions (2):

Blueprint Genetics
Classification: Uncertain significance. Last evaluated: 2024-11-26. Review status: criteria provided, single submitter. Criteria: ACMG Guidelines, 2015. Collection method: clinical testing. Allele origin: germline.

Labcorp Genetics (formerly Invitae), Labcorp
Classification: Uncertain significance for Hereditary spastic paraplegia 50. Last evaluated: 2024-04-15. Review status: criteria provided, single submitter. Criteria: Invitae Variant Classification Sherloc (09022015). Collection method: clinical testing. Allele origin: germline.
Comment: This sequence change replaces histidine, which is basic and polar, with arginine, which is basic and polar, at codon 58 of the AP4M1 protein (p.His58Arg). This variant is present in population databases (rs777392432, gnomAD 0.003%). This variant has not been reported in the literature in individuals affected with AP4M1-related conditions. ClinVar contains an entry for this variant (Variation ID: 2418903). Advanced modeling of protein sequence and biophysical properties (such as structural, functional, and spatial information, amino acid conservation, physicochemical variation, residue mobility, and thermodynamic stability) has been performed at Invitae for this missense variant, however the output from this modeling did not meet the statistical confidence thresholds required to predict the impact of this variant on AP4M1 protein function. In summary, the available evidence is currently insufficient to determine the role of this variant in disease. Therefore, it has been classified as a Variant of Uncertain Significance.